The following is an entry in ClinVar:

NM_001040142.2(SCN2A):c.5468A>G (p.Asp1823Gly)

Gene: SCN2A (sodium voltage-gated channel alpha subunit 2; plus strand). Cytogenetic location: 2q24.3.
Variant type: single nucleotide variant.
Coding change: c.5468A>G on transcript NM_001040142.2 (MANE Select); coding-DNA position 5468, A replaced by G.
Protein change: p.Asp1823Gly; replaces aspartic acid 1823 with glycine.
Molecular consequence: missense variant.
Genome position (GRCh38, 1-based): chr2:165,389,274, A>G. VCF-style: chr2-165389274-A-G. GRCh37 (hg19) VCF-style: chr2-166245784-A-G.
Other names: c.5468A>G, p.Asp1823Gly (NM_001040143.2, NM_001371246.1, NM_001371247.1 and 1 more transcripts); short protein forms D1823G.
Identifiers: ClinVar variation 3761190 (VCV003761190.2).
Genomic context (GRCh38, chr2:165,389,274, plus strand): 5'-AGAAGTTTGATCCCGATGCGACCCAGTTTATAGAGTTTGCCAAACTTTCTGATTTTGCAG[A>G]TGCCCTGGATCCTCCTCTTCTCATAGCAAAACCCAACAAAGTCCAGCTCATTGCCATGGA-3'
Protein context (NP_001035232.1, residues 1813-1833): IEFAKLSDFA[Asp1823Gly]ALDPPLLIAK

ClinVar aggregate classification (germline): Uncertain significance (1 of 4 stars; one submission).

Conditions:
Developmental and epileptic encephalopathy, 11 (DEE11). Also called: Early infantile epileptic encephalopathy 11. Identifiers: Orphanet 1934, MedGen C3150987, MONDO:0013388, OMIM 613721.
Seizures, benign familial infantile, 3 (BFIS3). Also called: Familial neonatal seizures; CONVULSIONS, BENIGN FAMILIAL INFANTILE, 3. Identifiers: Orphanet 140927, Orphanet 306, MedGen C1843140, MONDO:0011904, OMIM 607745.

Submission:

Labcorp Genetics (formerly Invitae), Labcorp
Classification: Uncertain significance for Seizures, benign familial infantile, 3; Developmental and epileptic encephalopathy, 11. Last evaluated: 2025-02-21. Review status: criteria provided, single submitter. Criteria: Invitae Variant Classification Sherloc (09022015). Collection method: clinical testing. Allele origin: germline.
Comment: This sequence change replaces aspartic acid, which is acidic and polar, with glycine, which is neutral and non-polar, at codon 1823 of the SCN2A protein (p.Asp1823Gly). This variant is not present in population databases (gnomAD no frequency). This variant has not been reported in the literature in individuals affected with SCN2A-related conditions. Invitae Evidence Modeling of protein sequence and biophysical properties (such as structural, functional, and spatial information, amino acid conservation, physicochemical variation, residue mobility, and thermodynamic stability) indicates that this missense variant is expected to disrupt SCN2A protein function with a positive predictive value of 95%. In summary, the available evidence is currently insufficient to determine the role of this variant in disease. Therefore, it has been classified as a Variant of Uncertain Significance.